The following is an entry in ClinVar:

ClinVar aggregate classification (germline): Uncertain significance (1 of 4 stars; one submission).

Submission:

GeneDx
Classification: Uncertain significance. Last evaluated: 2024-10-23. Review status: criteria provided, single submitter. Criteria: GeneDx Variant Classification Process June 2021. Collection method: clinical testing. Allele origin: germline. Affected: yes.
Comment: Not observed at significant frequency in large population cohorts (gnomAD); Frameshift variant predicted to result in abnormal protein length as the last 11 amino acid(s) are replaced with an unknown number of different amino acid(s) with an unclear effect on protein function; Has not been previously published as pathogenic or benign to our knowledge

NM_005321.3(H1-4):c.626_627del (p.Ala209fs)

Gene: H1-4 (H1.4 linker histone, cluster member; plus strand). Cytogenetic location: 6p22.2.
Variant type: Deletion.
Coding change: c.626_627del on transcript NM_005321.3 (MANE Select); coding-DNA positions 626 to 627, 2 bases deleted (CC; older notation c.626_627delCC).
Protein change: p.Ala209fs; shifts the reading frame from alanine 209.
Molecular consequence: frameshift variant.
Genome position (GRCh38, 1-based): chr6:26,157,016-26,157,017, CC deleted. VCF-style (leftmost placement, unchanged base first): chr6-26157015-GCC-G. GRCh37 (hg19) VCF-style: chr6-26157243-GCC-G.
Other names: short protein forms A209fs.
Identifiers: ClinVar variation 1307085 (VCV001307085.3), dbSNP rs2113827813, ClinGen allele CA2573052653.
Genomic context (GRCh38, chr6:26,157,015, plus strand): 5'-GCGAAGGCCAAAGCAGTTAAACCCAAGGCGGCTAAACCAAAGACCGCCAAGCCCAAGGCA[GCC>G]AAGCCAAAGAAGGCGGCAGCCAAGAAAAAGTAGAAAGTTCCTTTGGCCAACTGCTTAGAA-3'